The following is an entry in ClinVar:

ClinVar aggregate classification (germline): Uncertain significance (1 of 4 stars; one submission).

Submission:

Labcorp Genetics (formerly Invitae), Labcorp
Classification: Uncertain significance. Last evaluated: 2023-10-04. Review status: criteria provided, single submitter. Criteria: Invitae Variant Classification Sherloc (09022015). Collection method: clinical testing. Allele origin: germline.
Comment: This sequence change replaces proline, which is neutral and non-polar, with arginine, which is basic and polar, at codon 223 of the ARID1A protein (p.Pro223Arg). This variant is not present in population databases (gnomAD no frequency). This variant has not been reported in the literature in individuals affected with ARID1A-related conditions. Advanced modeling of protein sequence and biophysical properties (such as structural, functional, and spatial information, amino acid conservation, physicochemical variation, residue mobility, and thermodynamic stability) performed at Invitae indicates that this missense variant is not expected to disrupt ARID1A protein function. In summary, the available evidence is currently insufficient to determine the role of this variant in disease. Therefore, it has been classified as a Variant of Uncertain Significance.

NM_006015.6(ARID1A):c.668C>G (p.Pro223Arg)

Genes: ARID1A (AT-rich interaction domain 1A; plus strand), LOC129929837 (ATAC-STARR-seq lymphoblastoid silent region 489; plus strand). Cytogenetic location: 1p36.11.
Variant type: single nucleotide variant.
Coding change: c.668C>G on transcript NM_006015.6 (MANE Select); coding-DNA position 668, C replaced by G.
Protein change: p.Pro223Arg; replaces proline 223 with arginine.
Molecular consequence: missense variant.
Genome position (GRCh38, 1-based): chr1:26,697,071, C>G. VCF-style: chr1-26697071-C-G. GRCh37 (hg19) VCF-style: chr1-27023562-C-G.
Other names: c.668C>G, p.Pro223Arg (NM_139135.4); short protein forms P223R.
Identifiers: ClinVar variation 2764989 (VCV002764989.3), dbSNP rs1398617795, ClinGen allele CA339266025.